The following is an entry in ClinVar:

ClinVar aggregate classification (germline): Uncertain significance (1 of 4 stars; one submission).

Conditions:
Neuronopathy, distal hereditary motor, autosomal recessive 4. Also called: NEUROPATHY, DISTAL HEREDITARY MOTOR, AUTOSOMAL RECESSIVE 4; Autosomal recessive lower motor neuron disease with childhood onset. Identifiers: Orphanet 206580, MedGen C1970211, MONDO:0012608, OMIM 611067.
Charcot-Marie-Tooth disease recessive intermediate C. Also called: CHARCOT-MARIE-TOOTH NEUROPATHY, RECESSIVE INTERMEDIATE C. Identifiers: Orphanet 369867, MedGen C3809309, MONDO:0014154, OMIM 615376.

Submission:

Labcorp Genetics (formerly Invitae), Labcorp
Classification: Uncertain significance for Neuronopathy, distal hereditary motor, autosomal recessive 4; Charcot-Marie-Tooth disease recessive intermediate C. Last evaluated: 2024-02-16. Review status: criteria provided, single submitter. Criteria: Invitae Variant Classification Sherloc (09022015). Collection method: clinical testing. Allele origin: germline.
Comment: This sequence change replaces glycine, which is neutral and non-polar, with glutamic acid, which is acidic and polar, at codon 963 of the PLEKHG5 protein (p.Gly963Glu). This variant is not present in population databases (gnomAD no frequency). This variant has not been reported in the literature in individuals affected with PLEKHG5-related conditions. ClinVar contains an entry for this variant (Variation ID: 1414153). Algorithms developed to predict the effect of missense changes on protein structure and function output the following: SIFT: "Not Available"; PolyPhen-2: "Benign"; Align-GVGD: "Not Available". The glutamic acid amino acid residue is found in multiple mammalian species, which suggests that this missense change does not adversely affect protein function. In summary, the available evidence is currently insufficient to determine the role of this variant in disease. Therefore, it has been classified as a Variant of Uncertain Significance.

NM_020631.6(PLEKHG5):c.2888G>A (p.Gly963Glu)

Gene: PLEKHG5 (pleckstrin homology and RhoGEF domain containing G5; minus strand). Cytogenetic location: 1p36.31.
Variant type: single nucleotide variant.
Coding change: c.2888G>A on transcript NM_020631.6 (MANE Select); coding-DNA position 2888, G replaced by A.
Protein change: p.Gly963Glu; replaces glycine 963 with glutamic acid.
Molecular consequence: missense variant. On other transcripts: intron variant (1).
Genome position (GRCh38, 1-based): chr1:6,467,948, C>T on the plus strand (G>A on the coding strand, the complement: PLEKHG5 is on the minus strand). VCF-style: chr1-6467948-C-T. GRCh37 (hg19) VCF-style: chr1-6528008-C-T.
Other names: c.2999G>A, p.Gly1000Glu (NM_001042663.3, NM_001265592.2); c.2888G>A, p.Gly963Glu (NM_001042664.2, NM_001042665.2, NM_198681.4); c.3095G>A, p.Gly1032Glu (NM_001265593.2); c.2738-50G>A (NM_001265594.3); short protein forms G1032E, G1000E, G963E.
Identifiers: ClinVar variation 1414153 (VCV001414153.6), dbSNP rs2148574527, ClinGen allele CA338114240.